The following is an entry in ClinVar:

NM_006440.5(TXNRD2):c.1265A>C (p.Glu422Ala)

Gene: TXNRD2 (thioredoxin reductase 2; minus strand). Cytogenetic location: 22q11.21.
Variant type: single nucleotide variant.
Coding change: c.1265A>C on transcript NM_006440.5 (MANE Select); coding-DNA position 1265, A replaced by C.
Protein change: p.Glu422Ala; replaces glutamic acid 422 with alanine.
Molecular consequence: missense variant. On other transcripts: non-coding transcript variant (1).
Genome position (GRCh38, 1-based): chr22:19,880,189, T>G on the plus strand (A>C on the coding strand, the complement: TXNRD2 is on the minus strand). VCF-style: chr22-19880189-T-G. GRCh37 (hg19) VCF-style: chr22-19867712-T-G.
Other names: c.1262A>C, p.Glu421Ala (NM_001352300.2); c.1175A>C, p.Glu392Ala (NM_001352301.2); c.977A>C, p.Glu326Ala (NM_001352302.2); short protein forms E326A, E392A, E421A, E422A.
Identifiers: ClinVar variation 4866281 (VCV004866281.1).
Genomic context (GRCh38, chr22:19,880,189, plus strand): 5'-GAGGTCGTGGAGTCGCCACTGTCCTCAGCTGTGCTGCTCCCAGGCCTCACCTCAACATGC[T>G]CCTGCCCGTGGCGAGCCACTGCCTCCTCCTCGGACAGCCCCACACAGCCATACTCCAGCG-3'
Protein context (NP_006431.2, residues 412-432): EEEAVARHGQ[Glu422Ala]HVEVYHAHYK

ClinVar aggregate classification (germline): Uncertain significance (1 of 4 stars; one submission).

Conditions:
Cardiovascular phenotype. Identifiers: MedGen CN230736.

gnomAD v4.1: 11 of 1,613,100 alleles (0.00068%); highest among the groups gnomAD compares: Non-Finnish European, 0.00093%; no homozygotes.

Submission:

Ambry Genetics
Classification: Uncertain significance for Cardiovascular phenotype. Last evaluated: 2026-06-06. Review status: criteria provided, single submitter. Criteria: Ambry Variant Classification Scheme 2023. Collection method: clinical testing. Allele origin: germline.
Comment: The p.E422A variant (also known as c.1265A>C), located in coding exon 14 of the TXNRD2 gene, results from an A to C substitution at nucleotide position 1265. The glutamic acid at codon 422 is replaced by alanine, an amino acid with dissimilar properties. This amino acid position is conserved. In addition, this alteration is predicted to be tolerated by in silico analysis. Based on the available evidence, the clinical significance of this variant remains unclear.